The following is an entry in ClinVar:

NM_000316.3(PTH1R):c.401A>C (p.Tyr134Ser)

Gene: PTH1R (parathyroid hormone 1 receptor; plus strand). Cytogenetic location: 3p21.31.
Variant type: single nucleotide variant.
Coding change: c.401A>C on transcript NM_000316.3 (MANE Select); coding-DNA position 401, A replaced by C.
Protein change: p.Tyr134Ser; replaces tyrosine 134 with serine.
Molecular consequence: missense variant.
Genome position (GRCh38, 1-based): chr3:46,897,942, A>C. VCF-style: chr3-46897942-A-C. GRCh37 (hg19) VCF-style: chr3-46939432-A-C.
Other names: PTHR; c.401A>C, p.Tyr134Ser (NM_001184744.1); short protein forms Y134S.
Identifiers: ClinVar variation 631484 (VCV000631484.8), dbSNP rs1575520937, ClinGen allele CA352494568.

ClinVar aggregate classification (germline): Uncertain significance. Review status: criteria provided, single submitter (1 of 4 stars). 2 submissions from 2 submitters: Uncertain significance (1). 1 of the submissions does not count toward it. Last evaluated 2019-04-11.

Conditions:
Eiken syndrome (EKNS). Also called: BONE MODELING DEFECT OF HANDS AND FEET. Identifiers: Orphanet 79106, MedGen C1838779, MONDO:0010803, OMIM 600002.

Submissions (2):

Kasturba Medical College, Manipal, Kasturba Medical College, Manipal, Manipal Academy of Higher Education, Manipal, India
Classification: Uncertain significance for Eiken syndrome. Last evaluated: 2019-04-11. Review status: criteria provided, single submitter. Criteria: ACMG Guidelines, 2015. Collection method: clinical testing. Allele origin: germline. Inheritance: Autosomal recessive inheritance. Affected: yes. Observed: 1 homozygote.
Comment: A novel variant, c.401A>C is identified in PTH1R gene, which is known to cause Eiken syndrome. The phenotype of the patient is in concordance with the condition. Hence, according to ACMG guidelines the variant is interpreted to be of uncertain significance. Functional characterization of the variant is recommended before clinical utility.

OMIM
Classification: Pathogenic for EIKEN SYNDROME. Last evaluated: 2021-07-06. Review status: no assertion criteria provided. Collection method: literature only. Allele origin: germline. Not counted in ClinVar's aggregate classification.

Literature cited by the submitters: PubMed 29987841 (cited by Kasturba Medical College, Manipal, Kasturba Medical College, Manipal, Manipal Academy of Higher Education, Manipal, India); PubMed 31297790 (cited by OMIM).